The following is an entry in ClinVar:

NM_005159.5(ACTC1):c.299C>T (p.Pro100Leu)

Genes: GJD2-DT (GJD2 divergent transcript; plus strand), ACTC1 (actin alpha cardiac muscle 1; minus strand). Cytogenetic location: 15q14.
Variant type: single nucleotide variant.
Coding change: c.299C>T on transcript NM_005159.5 (MANE Select); coding-DNA position 299, C replaced by T.
Protein change: p.Pro100Leu; replaces proline 100 with leucine.
Molecular consequence: missense variant.
Genome position (GRCh38, 1-based): chr15:34,793,400, G>A on the plus strand (C>T on the coding strand, the complement: ACTC1 is on the minus strand). VCF-style: chr15-34793400-G-A. GRCh37 (hg19) VCF-style: chr15-35085601-G-A.
Other names: c.299C>T (LRG_388t1); short protein forms P100L.
Identifiers: ClinVar variation 234748 (VCV000234748.3), dbSNP rs876661195, ClinGen allele CA10577511.

ClinVar aggregate classification (germline): Uncertain significance. Review status: criteria provided, multiple submitters, no conflicts (2 of 4 stars). 2 submissions from 2 submitters: Uncertain significance (2). Last evaluated 2020-03-26.

Allele frequency attached by ClinVar (database versions not stated): gnomAD exomes below 0.00001 and 0.00001.

Submissions (2):

Blueprint Genetics
Classification: Uncertain significance. Last evaluated: 2020-03-26. Review status: criteria provided, single submitter. Criteria: ACMG Guidelines, 2015. Collection method: clinical testing. Allele origin: germline.

GeneDx
Classification: Uncertain significance. Last evaluated: 2016-01-06. Review status: criteria provided, single submitter. Criteria: GeneDx Variant Classification (06012015). Collection method: clinical testing. Allele origin: germline. Affected: yes.
Comment: The P100L variant has not been published as a pathogenic variant, nor has it been reported as a benign variant to our knowledge. This variant was not observed in approximately 6,500 individuals of European and African American ancestry in the NHLBI Exome Sequencing Project, indicating it is not a common benign variant in these populations. The P100L variant is a semi-conservative amino acid substitution, which may impact secondary protein structure as these residues differ in some properties. This substitution occurs at a position that is conserved across species and in silico analysis predicts this variant is probably damaging to the protein structure/function. Furthermore, missense variants in nearby residues (H90Y, R97C, E101K, H103Q) have been reported in the Human Gene Mutation Database in association with HCM (Stenson et al., 2014), supporting the functional importance of this region of the protein. However, additional evidence is needed to determine whether this variant is pathogenic or benign.